The following is an entry in ClinVar:

NM_000360.4(TH):c.1301C>G (p.Ser434Cys)

Gene: TH (tyrosine hydroxylase; minus strand). Cytogenetic location: 11p15.5.
Variant type: single nucleotide variant.
Coding change: c.1301C>G on transcript NM_000360.4 (MANE Select); coding-DNA position 1301, C replaced by G.
Protein change: p.Ser434Cys; replaces serine 434 with cysteine.
Molecular consequence: missense variant.
Genome position (GRCh38, 1-based): chr11:2,165,265, G>C on the plus strand (C>G on the coding strand, the complement: TH is on the minus strand). VCF-style: chr11-2165265-G-C. GRCh37 (hg19) VCF-style: chr11-2186495-G-C.
Other names: p.Ser465Cys; c.1394C>G, p.Ser465Cys (NM_199292.3); c.1382C>G, p.Ser461Cys (NM_199293.3); short protein forms S465C, S434C, S461C.
Identifiers: ClinVar variation 554418 (VCV000554418.10), dbSNP rs767211543, ClinGen allele CA5818306.

ClinVar aggregate classification (germline): Uncertain significance. Review status: criteria provided, multiple submitters, no conflicts (2 of 4 stars). 4 submissions from 4 submitters: Uncertain significance (2). 2 of the submissions do not count toward it. Last evaluated 2025-08-01.

Conditions:
TH-deficient dopa-responsive dystonia. Also called: DYT-TH; Tyrosine Hydroxylase-Deficient Dopa-Responsive Dystonia; Segawa syndrome, autosomal recessive. Identifiers: Orphanet 101150, MedGen C2673535, MONDO:0011551, OMIM 605407.

Allele frequency attached by ClinVar (database versions not stated): ExAC 0.00001; gnomAD exomes 0.00002 and 0.00001; gnomAD 0.00001; TOPMed 0.00001.
gnomAD v4.1: 16 of 1,612,830 alleles (0.00099%); highest among the groups gnomAD compares: African/African-American, 0.0013%; no homozygotes.

Submissions (4):

Mayo Clinic Laboratories, Mayo Clinic
Classification: Uncertain significance. Last evaluated: 2025-08-01. Review status: criteria provided, single submitter. Criteria: ACMG Guidelines, 2015. Collection method: clinical testing. Allele origin: germline. Observed: 1 variant allele.
Comment: PP3_moderate

Labcorp Genetics (formerly Invitae), Labcorp
Classification: Uncertain significance for TH-deficient dopa-responsive dystonia. Last evaluated: 2022-06-22. Review status: criteria provided, single submitter. Criteria: Invitae Variant Classification Sherloc (09022015). Collection method: clinical testing. Allele origin: germline.
Comment: This sequence change replaces serine, which is neutral and polar, with cysteine, which is neutral and slightly polar, at codon 465 of the TH protein (p.Ser465Cys). This variant is present in population databases (rs767211543, gnomAD 0.004%). This missense change has been observed in individual(s) with dystonia (PMID: 28186668). ClinVar contains an entry for this variant (Variation ID: 554418). Algorithms developed to predict the effect of missense changes on protein structure and function (SIFT, PolyPhen-2, Align-GVGD) all suggest that this variant is likely to be disruptive. Algorithms developed to predict the effect of sequence changes on RNA splicing suggest that this variant may create or strengthen a splice site. This variant disrupts the p.Ser465 amino acid residue in TH. Other variant(s) that disrupt this residue have been determined to be pathogenic (PMID: 33233562). This suggests that this residue is clinically significant, and that variants that disrupt this residue are likely to be disease-causing. In summary, the available evidence is currently insufficient to determine the role of this variant in disease. Therefore, it has been classified as a Variant of Uncertain Significance.

Natera, Inc.
Classification: Uncertain significance for Autosomal recessive Segawa syndrome. Last evaluated: 2021-02-22. Review status: no assertion criteria provided. Collection method: clinical testing. Allele origin: germline. Not counted in ClinVar's aggregate classification.

Counsyl
Classification: Uncertain significance for TH-deficient dopa-responsive dystonia. Last evaluated: 2017-10-18. Review status: no assertion criteria provided. Collection method: clinical testing. Allele origin: unknown. Not counted in ClinVar's aggregate classification.

Literature cited by the submitters: PubMed 28186668 (cited by 3 submitters); PubMed 33233562 (cited by Labcorp Genetics (formerly Invitae), Labcorp).